The following is an entry in ClinVar:

ClinVar aggregate classification (germline): Uncertain significance (1 of 4 stars; one submission).

Conditions:
Hyperkalemic periodic paralysis. Also called: Familial hyperkalemic periodic paralysis; Gamstorp disease. Identifiers: Orphanet 682, MedGen C0238357, MONDO:0008224, OMIM 170500, HP:0007215.

gnomAD v4.1: 7 of 1,613,282 alleles (0.00043%); highest among the groups gnomAD compares: East Asian, 0.0067%; no homozygotes.

Submission:

Labcorp Genetics (formerly Invitae), Labcorp
Classification: Uncertain significance for Hyperkalemic periodic paralysis. Last evaluated: 2023-08-07. Review status: criteria provided, single submitter. Criteria: Invitae Variant Classification Sherloc (09022015). Collection method: clinical testing. Allele origin: germline.
Comment: In summary, the available evidence is currently insufficient to determine the role of this variant in disease. Therefore, it has been classified as a Variant of Uncertain Significance. This sequence change replaces serine, which is neutral and polar, with threonine, which is neutral and polar, at codon 1108 of the SCN4A protein (p.Ser1108Thr). This variant is not present in population databases (gnomAD no frequency). This variant has not been reported in the literature in individuals affected with SCN4A-related conditions. ClinVar contains an entry for this variant (Variation ID: 2179560). Advanced modeling of protein sequence and biophysical properties (such as structural, functional, and spatial information, amino acid conservation, physicochemical variation, residue mobility, and thermodynamic stability) performed at Invitae indicates that this missense variant is expected to disrupt SCN4A protein function.

NM_000334.4(SCN4A):c.3322T>A (p.Ser1108Thr)

Genes: SCN4A (sodium voltage-gated channel alpha subunit 4; minus strand), GH-LCR (growth hormone locus control region; plus strand). Cytogenetic location: 17q23.3.
Variant type: single nucleotide variant.
Coding change: c.3322T>A on transcript NM_000334.4 (MANE Select); coding-DNA position 3322, T replaced by A.
Protein change: p.Ser1108Thr; replaces serine 1108 with threonine.
Molecular consequence: missense variant.
Genome position (GRCh38, 1-based): chr17:63,947,164, A>T on the plus strand (T>A on the coding strand, the complement: SCN4A is on the minus strand). VCF-style: chr17-63947164-A-T. GRCh37 (hg19) VCF-style: chr17-62024524-A-T.
Other names: short protein forms S1108T.
Identifiers: ClinVar variation 2179560 (VCV002179560.4), dbSNP rs1908752324, ClinGen allele CA400620845.